The following is an entry in ClinVar:

NM_001267550.2(TTN):c.96679del (p.Leu32227fs)

Genes: TTN (titin; minus strand), TTN-AS1 (TTN antisense RNA 1; plus strand), LOC126806421 (CDK7 strongly-dependent group 2 enhancer GRCh37_chr2:179407630-179408829; plus strand). Cytogenetic location: 2q31.2.
Variant type: Deletion.
Coding change: c.96679del on transcript NM_001267550.2 (MANE Select); coding-DNA position 96679, one base deleted (C; older notation c.96679delC).
Protein change: p.Leu32227fs; shifts the reading frame from leucine 32227.
Molecular consequence: frameshift variant.
Genome position (GRCh38, 1-based): chr2:178,543,294, G deleted on the plus strand (C on the coding strand, the reverse complement: TTN is on the minus strand). VCF-style (leftmost placement, unchanged base first): chr2-178543293-AG-A. GRCh37 (hg19) VCF-style: chr2-179408020-AG-A.
Other names: c.91756del, p.Leu30586fs (NM_001256850.1); c.69484del, p.Leu23162fs (NM_003319.4); c.88975del, p.Leu29659fs (NM_133378.4); c.69859del, p.Leu23287fs (NM_133432.3); c.70060del, p.Leu23354fs (NM_133437.4); short protein forms L23162fs, L30586fs, L32227fs, L23354fs, L29659fs, L23287fs.
Identifiers: ClinVar variation 1518767 (VCV001518767.7), dbSNP rs2154143419, ClinGen allele CA2573134088.

ClinVar aggregate classification (germline): Pathogenic/Likely pathogenic. Review status: criteria provided, multiple submitters, no conflicts (2 of 4 stars). 2 submissions from 2 submitters: Pathogenic (1); Likely pathogenic (1). Last evaluated 2026-03-05.

Conditions:
Autosomal recessive limb-girdle muscular dystrophy type 2J (LGMDR10). Also called: Limb-girdle muscular dystrophy, type 2J; MUSCULAR DYSTROPHY, LIMB-GIRDLE, AUTOSOMAL RECESSIVE 10. Identifiers: Orphanet 140922, MedGen C1837342, MONDO:0012127, OMIM 608807.
Dilated cardiomyopathy 1G (CMD1G). Identifiers: Orphanet 154, MedGen C1858763, MONDO:0011400, OMIM 604145.
Early-onset myopathy with fatal cardiomyopathy (CMYO5). Also called: Salih Myopathy; CONGENITAL MYOPATHY 5 WITH CARDIOMYOPATHY. Identifiers: Orphanet 289377, MedGen C2673677, MONDO:0012714, OMIM 611705. Disease mechanism: loss of function.

Submissions (2):

Mendelics
Classification: Pathogenic for Early-onset myopathy with fatal cardiomyopathy. Last evaluated: 2026-03-05. Review status: criteria provided, single submitter. Criteria: ACMG Guidelines, 2015. Collection method: clinical testing. Allele origin: unknown.
Comment: Likely pathogenic/Pathogenic according to ACMG criteria.

Labcorp Genetics (formerly Invitae), Labcorp
Classification: Likely pathogenic for Dilated cardiomyopathy 1G; Autosomal recessive limb-girdle muscular dystrophy type 2J. Last evaluated: 2025-08-09. Review status: criteria provided, single submitter. Criteria: Invitae Variant Classification Sherloc (09022015). Collection method: clinical testing. Allele origin: germline.
Comment: This sequence change creates a premature translational stop signal (p.Leu32227Serfs*24) in the TTN gene. While this is not anticipated to result in nonsense mediated decay, it is expected to create a truncated TTN protein. This variant is not present in population databases (gnomAD no frequency). This variant has not been reported in the literature in individuals affected with TTN-related conditions. ClinVar contains an entry for this variant (Variation ID: 1518767). This variant is located in the A band of TTN (PMID: 25589632). Truncating variants in this region are significantly overrepresented in patients affected with dilated cardiomyopathy (PMID: 25589632). Truncating variants in this region have also been reported in individuals affected with autosomal recessive centronuclear myopathy (PMID: 23975875). In summary, the currently available evidence indicates that the variant is pathogenic, but additional data are needed to prove that conclusively. Therefore, this variant has been classified as Likely Pathogenic.

Literature cited by the submitters: PubMed 25589632 (cited by Labcorp Genetics (formerly Invitae), Labcorp); PubMed 23975875 (cited by Labcorp Genetics (formerly Invitae), Labcorp).